The following is an entry in ClinVar:

ClinVar aggregate classification (germline): Likely pathogenic (1 of 4 stars; one submission).

Conditions:
Alstrom syndrome (ALMS). Identifiers: Orphanet 64, MedGen C0268425, MONDO:0008763, OMIM 203800.

Submission:

Myriad Genetics, Inc.
Classification: Likely pathogenic for Alstrom syndrome. Last evaluated: 2022-03-15. Review status: criteria provided, single submitter. Criteria: Myriad Women's Health Autosomal Recessive and X-Linked Classification Criteria (2021). Collection method: clinical testing. Allele origin: unknown.
Comment: NM_015120.4(ALMS1):c.4303A>T(K1435*) is expected to be pathogenic in the context of Alstrom syndrome. This variant is predicted to lead to an abnormal or absent protein product due to the creation of a premature termination codon in ALMS1, a gene where loss-of-function variants are known to be pathogenic. Please note: this variant was assessed in the context of healthy population screening.

NM_001378454.1(ALMS1):c.4300A>T (p.Lys1434Ter)

Gene: ALMS1 (ALMS1 centrosome and basal body associated protein; plus strand). Cytogenetic location: 2p13.1.
Variant type: single nucleotide variant.
Coding change: c.4300A>T on transcript NM_001378454.1 (MANE Select); coding-DNA position 4300, A replaced by T.
Protein change: p.Lys1434Ter; replaces lysine 1434 with a stop codon.
Molecular consequence: nonsense.
Genome position (GRCh38, 1-based): chr2:73,450,827, A>T. VCF-style: chr2-73450827-A-T. GRCh37 (hg19) VCF-style: chr2-73677954-A-T.
Other names: c.4303A>T, p.Lys1435Ter (NM_015120.4); short protein forms K1434*, K1435*.
Identifiers: ClinVar variation 1725263 (VCV001725263.2), dbSNP rs2466101228, ClinGen allele CA347278042.